The following is an entry in ClinVar:

ClinVar aggregate classification (germline): Benign. Review status: criteria provided, multiple submitters, no conflicts (2 of 4 stars). 3 submissions from 3 submitters: Benign (2). 1 of the submissions does not count toward it. Last evaluated 2019-12-31.

Conditions:
DNAH7-related disorder. Also called: DNAH7-related condition.

Allele frequency attached by ClinVar (database versions not stated): gnomAD exomes 0.00366; ExAC 0.00464; ESP Exome Variant Server 0.01453; gnomAD 0.01488 and 0.01591; 1000 Genomes Project 0.01538; TOPMed 0.01644; 1000 Genomes Project 30x 0.01718.
gnomAD v4.1: 4,647 of 1,614,142 alleles (0.29%); highest among the groups gnomAD compares: African/African-American, 5.3%; 126 homozygotes.

Submissions (3):

Labcorp Genetics (formerly Invitae), Labcorp
Classification: Benign. Last evaluated: 2019-12-31. Review status: criteria provided, single submitter. Criteria: Invitae Variant Classification Sherloc (09022015). Collection method: clinical testing. Allele origin: germline.

Breakthrough Genomics
Classification: Benign. Review status: criteria provided, single submitter. Criteria: ACMG Guidelines, 2015. Collection method: not provided. Allele origin: germline. Inheritance: Unknown mechanism. Affected: yes.

PreventionGenetics, part of Exact Sciences
Classification: Likely benign for DNAH7-related condition. Last evaluated: 2020-02-26. Review status: no assertion criteria provided. Collection method: clinical testing. Allele origin: germline. Not counted in ClinVar's aggregate classification.
Comment: This variant is classified as likely benign based on ACMG/AMP sequence variant interpretation guidelines (Richards et al. 2015 PMID: 25741868, with internal and published modifications).

NM_018897.3(DNAH7):c.7377C>G (p.Asn2459Lys)

Gene: DNAH7 (dynein axonemal heavy chain 7; minus strand). Cytogenetic location: 2q32.3.
Variant type: single nucleotide variant.
Coding change: c.7377C>G on transcript NM_018897.3 (MANE Select); coding-DNA position 7377, C replaced by G.
Protein change: p.Asn2459Lys; replaces asparagine 2459 with lysine.
Molecular consequence: missense variant.
Genome position (GRCh38, 1-based): chr2:195,864,278, G>C on the plus strand (C>G on the coding strand, the complement: DNAH7 is on the minus strand). VCF-style: chr2-195864278-G-C. GRCh37 (hg19) VCF-style: chr2-196729002-G-C.
Other names: short protein forms N2459K.
Identifiers: ClinVar variation 788642 (VCV000788642.7), dbSNP rs16841199, ClinGen allele CA2034895.
Genomic context (GRCh38, chr2:195,864,278, plus strand): 5'-TCCAATGGGACTCATGGCAAGGACCACATGCAGTTGGCTGCGGCAATGATCAATAAACAT[G>C]TTGAAAAGGGCTATGGGGCTGCCATCTGTTTGCTTGGTTTTATCCCGCTGGCGATCTAAC-3'
Protein context (NP_061720.2, residues 2449-2469): QTDGSPIALF[Asn2459Lys]MFIDHCRSQL